The following is an entry in ClinVar:

NM_001080414.4(CCDC88C):c.4315T>C (p.Ser1439Pro)

Gene: CCDC88C (coiled-coil domain containing 88C; minus strand). Cytogenetic location: 14q32.11.
Variant type: single nucleotide variant.
Coding change: c.4315T>C on transcript NM_001080414.4 (MANE Select); coding-DNA position 4315, T replaced by C.
Protein change: p.Ser1439Pro; replaces serine 1439 with proline.
Molecular consequence: missense variant.
Genome position (GRCh38, 1-based): chr14:91,289,231, A>G on the plus strand (T>C on the coding strand, the complement: CCDC88C is on the minus strand). VCF-style: chr14-91289231-A-G. GRCh37 (hg19) VCF-style: chr14-91755575-A-G.
Other names: c.4315T>C (NM_001080414.3); short protein forms S1439P.
Identifiers: ClinVar variation 1932975 (VCV001932975.4), dbSNP rs750918764, ClinGen allele CA7309052.

ClinVar aggregate classification (germline): Uncertain significance. Review status: criteria provided, multiple submitters, no conflicts (2 of 4 stars). 2 submissions from 2 submitters: Uncertain significance (2). Last evaluated 2023-06-06.

Conditions:
Inborn genetic diseases. Identifiers: MedGen C0950123, MeSH D030342.

Allele frequency attached by ClinVar (database versions not stated): gnomAD exomes below 0.00001; ExAC 0.00002; TOPMed 0.00003; gnomAD 0.00004.

Submissions (2):

Ambry Genetics
Classification: Uncertain significance for Inborn genetic diseases. Last evaluated: 2023-06-06. Review status: criteria provided, single submitter. Criteria: Ambry Variant Classification Scheme 2023. Collection method: clinical testing. Allele origin: germline.

Labcorp Genetics (formerly Invitae), Labcorp
Classification: Uncertain significance. Last evaluated: 2022-05-08. Review status: criteria provided, single submitter. Criteria: Invitae Variant Classification Sherloc (09022015). Collection method: clinical testing. Allele origin: germline.
Comment: This sequence change replaces serine, which is neutral and polar, with proline, which is neutral and non-polar, at codon 1439 of the CCDC88C protein (p.Ser1439Pro). This variant is present in population databases (rs750918764, gnomAD 0.02%). This variant has not been reported in the literature in individuals affected with CCDC88C-related conditions. Algorithms developed to predict the effect of missense changes on protein structure and function output the following: SIFT: "Tolerated"; PolyPhen-2: "Benign"; Align-GVGD: "Class C0". The proline amino acid residue is found in multiple mammalian species, which suggests that this missense change does not adversely affect protein function. In summary, the available evidence is currently insufficient to determine the role of this variant in disease. Therefore, it has been classified as a Variant of Uncertain Significance.